The following is an entry in ClinVar:

NM_000165.5(GJA1):c.53C>A (p.Ser18Ter)

Gene: GJA1 (gap junction protein alpha 1; plus strand). Cytogenetic location: 6q22.31.
Variant type: single nucleotide variant.
Coding change: c.53C>A on transcript NM_000165.5 (MANE Select); coding-DNA position 53, C replaced by A.
Protein change: p.Ser18Ter; replaces serine 18 with a stop codon.
Molecular consequence: nonsense.
Genome position (GRCh38, 1-based): chr6:121,446,900, C>A. VCF-style: chr6-121446900-C-A. GRCh37 (hg19) VCF-style: chr6-121768046-C-A.
Other names: short protein forms S18*.
Identifiers: ClinVar variation 941060 (VCV000941060.9), dbSNP rs1773898086, ClinGen allele CA365557819.
Genomic context (GRCh38, chr6:121,446,900, plus strand): 5'-CAGGCAACATGGGTGACTGGAGCGCCTTAGGCAAACTCCTTGACAAGGTTCAAGCCTACT[C>A]AACTGCTGGAGGGAAGGTGTGGCTGTCAGTACTTTTCATTTTCCGAATCCTGCTGCTGGG-3'

ClinVar aggregate classification (germline): Pathogenic (1 of 4 stars; one submission).

Conditions:
Oculodentodigital dysplasia, autosomal recessive. Also called: OCULODENTOOSSEOUS DYSPLASIA, AUTOSOMAL RECESSIVE; ODDD, AUTOSOMAL RECESSIVE; ODOD, AUTOSOMAL RECESSIVE. Identifiers: Orphanet 2710, MedGen C2749477, MONDO:0009768, OMIM 257850.

Submission:

Labcorp Genetics (formerly Invitae), Labcorp
Classification: Pathogenic for Oculodentodigital dysplasia, autosomal recessive. Last evaluated: 2024-12-16. Review status: criteria provided, single submitter. Criteria: Invitae Variant Classification Sherloc (09022015). Collection method: clinical testing. Allele origin: germline.
Comment: This sequence change creates a premature translational stop signal (p.Ser18*) in the GJA1 gene. While this is not anticipated to result in nonsense mediated decay, it is expected to disrupt the last 365 amino acid(s) of the GJA1 protein. This variant is not present in population databases (gnomAD no frequency). This premature translational stop signal has been observed in individual(s) with clinical features of autosomal recessive oculodentodigital dysplasia (internal data). ClinVar contains an entry for this variant (Variation ID: 941060). This variant disrupts a region of the GJA1 protein in which other variant(s) (p.Arg33*) have been determined to be pathogenic (PMID: 16816024, 23606748). This suggests that this is a clinically significant region of the protein, and that variants that disrupt it are likely to be disease-causing. For these reasons, this variant has been classified as Pathogenic.

Literature cited by the submitters: PubMed 16816024; PubMed 23606748.